The following is an entry in ClinVar:

ClinVar aggregate classification (germline): Uncertain significance (1 of 4 stars; one submission).

Conditions:
Gastrointestinal stromal tumor. Also called: Gastrointestinal stromal tumor, somatic; Gastrointestinal stroma tumor. Identifiers: Orphanet 44890, MedGen C0238198, MeSH D046152, MONDO:0011719, OMIM 606764, HP:0100723.

Submission:

Labcorp Genetics (formerly Invitae), Labcorp
Classification: Uncertain significance for Gastrointestinal stromal tumor. Last evaluated: 2021-12-11. Review status: criteria provided, single submitter. Criteria: Invitae Variant Classification Sherloc (09022015). Collection method: clinical testing. Allele origin: germline.
Comment: In summary, the available evidence is currently insufficient to determine the role of this variant in disease. Therefore, it has been classified as a Variant of Uncertain Significance. Algorithms developed to predict the effect of missense changes on protein structure and function (SIFT, PolyPhen-2, Align-GVGD) all suggest that this variant is likely to be disruptive. ClinVar contains an entry for this variant (Variation ID: 858575). This variant has not been reported in the literature in individuals affected with KIT-related conditions. This variant is not present in population databases (gnomAD no frequency). This sequence change replaces methionine, which is neutral and non-polar, with threonine, which is neutral and polar, at codon 618 of the KIT protein (p.Met618Thr).

NM_000222.3(KIT):c.1853T>C (p.Met618Thr)

Gene: KIT (KIT proto-oncogene, receptor tyrosine kinase; plus strand). Cytogenetic location: 4q12.
Variant type: single nucleotide variant.
Coding change: c.1853T>C on transcript NM_000222.3 (MANE Select); coding-DNA position 1853, T replaced by C.
Protein change: p.Met618Thr; replaces methionine 618 with threonine.
Molecular consequence: missense variant.
Genome position (GRCh38, 1-based): chr4:54,727,901, T>C. VCF-style: chr4-54727901-T-C. GRCh37 (hg19) VCF-style: chr4-55594067-T-C.
Other names: c.1841T>C, p.Met614Thr (NM_001093772.2, NM_001385286.1); c.1856T>C, p.Met619Thr (NM_001385284.1, NM_001385290.1); c.1853T>C, p.Met618Thr (NM_001385285.1); c.1844T>C, p.Met615Thr (NM_001385288.1, NM_001385292.1); short protein forms M614T, M618T, M615T, M619T.
Identifiers: ClinVar variation 858575 (VCV000858575.8), dbSNP rs111466688, ClinGen allele CA96876033.